The following is an entry in ClinVar:

NM_004174.4(SLC9A3):c.1973G>A (p.Arg658Gln)

Genes: SLC9A3 (solute carrier family 9 member A3), SLC9A3-AS1 (SLC9A3 antisense RNA 1; plus strand). Cytogenetic location: 5p15.33.
Variant type: single nucleotide variant.
Coding change: c.1973G>A on transcript NM_004174.4 (MANE Select); coding-DNA position 1973, G replaced by A.
Protein change: p.Arg658Gln; replaces arginine 658 with glutamine.
Molecular consequence: missense variant. On other transcripts: non-coding transcript variant (1).
Genome position (GRCh38, 1-based): chr5:476,296, C>T on the plus strand (G>A on the coding strand, the complement: SLC9A3 is on the minus strand). VCF-style: chr5-476296-C-T. GRCh37 (hg19) VCF-style: chr5-476411-C-T.
Other names: c.1946G>A, p.Arg649Gln (NM_001284351.3); short protein forms R649Q, R658Q.
Identifiers: ClinVar variation 2428379 (VCV002428379.6), dbSNP rs144798475, ClinGen allele CA3175625.
Genomic context (GRCh38, chr5:476,296, plus strand): 5'-GCCGCCTTCTTGTTCTGGTTGAGCCCCAGCTTGGTCGACTTGAAGGACTCCAGGCGCTTC[C>T]GCATGGTCCTGTGGAAGATTTCCCGGTCCTGTTTCTCGTCCTCCGTGGGCGTGAGCTCGT-3'
Protein context (NP_004165.2, residues 648-668): QDREIFHRTM[Arg658Gln]KRLESFKSTK

ClinVar aggregate classification (germline): Uncertain significance (1 of 4 stars; one submission).

Allele frequency attached by ClinVar (database versions not stated): gnomAD 0.00001; ExAC 0.00002; 1000 Genomes Project 30x 0.00031; 1000 Genomes Project 0.00040.
gnomAD v4.1: 14 of 1,614,002 alleles (0.00087%); highest among the groups gnomAD compares: African/African-American, 0.004%; no homozygotes.

Submission:

Labcorp Genetics (formerly Invitae), Labcorp
Classification: Uncertain significance. Last evaluated: 2023-08-17. Review status: criteria provided, single submitter. Criteria: Invitae Variant Classification Sherloc (09022015). Collection method: clinical testing. Allele origin: germline.
Comment: In summary, the available evidence is currently insufficient to determine the role of this variant in disease. Therefore, it has been classified as a Variant of Uncertain Significance. This variant is present in population databases (rs144798475, gnomAD 0.007%). Advanced modeling of protein sequence and biophysical properties (such as structural, functional, and spatial information, amino acid conservation, physicochemical variation, residue mobility, and thermodynamic stability) performed at Invitae indicates that this missense variant is not expected to disrupt SLC9A3 protein function. ClinVar contains an entry for this variant (Variation ID: 2428379). This variant has not been reported in the literature in individuals affected with SLC9A3-related conditions. This sequence change replaces arginine, which is basic and polar, with glutamine, which is neutral and polar, at codon 658 of the SLC9A3 protein (p.Arg658Gln).